The following is an entry in ClinVar:

ClinVar aggregate classification (germline): Pathogenic/Likely pathogenic. Review status: criteria provided, multiple submitters, no conflicts (2 of 4 stars). 3 submissions from 3 submitters: Pathogenic (2); Likely pathogenic (1). Last evaluated 2025-05-29.

Conditions:
Intellectual developmental disorder, autosomal recessive 61. Also called: ALWADEI SYNDROME; Intellectual disability, autosomal recessive 61; MENTAL RETARDATION, AUTOSOMAL RECESSIVE 61. Identifiers: MedGen C4540424, MONDO:0030915, OMIM 617773.

gnomAD v4.1: 1 of 1,528,396 alleles (0.000065%); highest among the groups gnomAD compares: Non-Finnish European, 0.000088%; no homozygotes.

Submissions (3):

Women's Health and Genetics/Laboratory Corporation of America, LabCorp
Classification: Pathogenic for Intellectual developmental disorder, autosomal recessive 61. Last evaluated: 2025-05-29. Review status: criteria provided, single submitter. Criteria: LabCorp Variant Classification Summary - May 2015. Collection method: clinical testing. Allele origin: germline.
Comment: Variant summary: RUSC2 c.4177C>T (p.Arg1393X) results in a premature termination codon, predicted to cause a truncation of the encoded protein or absence of the protein due to nonsense mediated decay, which are commonly known mechanisms for disease. The frequency data for this variant in gnomAD is considered unreliable, as metrics indicate poor data quality at this position. To our knowledge, no occurrence of c.4177C>T in individuals affected with Intellectual Disability, Autosomal Recessive 61 and no experimental evidence demonstrating its impact on protein function have been reported. ClinVar contains an entry for this variant (Variation ID: 2793514). Based on the evidence outlined above, the variant was classified as pathogenic.

GeneDx
Classification: Likely pathogenic. Last evaluated: 2024-10-22. Review status: criteria provided, single submitter. Criteria: GeneDx Variant Classification Process June 2021. Collection method: clinical testing. Allele origin: germline. Affected: yes.
Comment: Nonsense variant predicted to result in protein truncation or nonsense mediated decay in a gene for which loss of function is a known mechanism of disease; Not observed at significant frequency in large population cohorts (gnomAD); Has not been previously published as pathogenic or benign to our knowledge

Labcorp Genetics (formerly Invitae), Labcorp
Classification: Pathogenic. Last evaluated: 2023-06-12. Review status: criteria provided, single submitter. Criteria: Invitae Variant Classification Sherloc (09022015). Collection method: clinical testing. Allele origin: germline.
Comment: For these reasons, this variant has been classified as Pathogenic. This variant has not been reported in the literature in individuals affected with RUSC2-related conditions. This variant is not present in population databases (gnomAD no frequency). This sequence change creates a premature translational stop signal (p.Arg1393*) in the RUSC2 gene. It is expected to result in an absent or disrupted protein product. Loss-of-function variants in RUSC2 are known to be pathogenic (PMID: 27612186).

Literature cited by the submitters: PubMed 27612186 (cited by Labcorp Genetics (formerly Invitae), Labcorp).

NM_014806.5(RUSC2):c.4177C>T (p.Arg1393Ter)

Gene: RUSC2 (RUN and SH3 domain containing 2; plus strand). Cytogenetic location: 9p13.3.
Variant type: single nucleotide variant.
Coding change: c.4177C>T on transcript NM_014806.5 (MANE Select); coding-DNA position 4177, C replaced by T.
Protein change: p.Arg1393Ter; replaces arginine 1393 with a stop codon.
Molecular consequence: nonsense. On other transcripts: non-coding transcript variant (1).
Genome position (GRCh38, 1-based): chr9:35,560,817, C>T. VCF-style: chr9-35560817-C-T. GRCh37 (hg19) VCF-style: chr9-35560814-C-T.
Other names: c.4177C>T, p.Arg1393Ter (NM_001135999.2); c.1543C>T, p.Arg515Ter (NM_001330740.2); c.4177C>T (NM_001135999.1); short protein forms R1393*, R515*.
Identifiers: ClinVar variation 2793514 (VCV002793514.5), dbSNP rs1228330473, ClinGen allele CA373356797.
Genomic context (GRCh38, chr9:35,560,817, plus strand): 5'-GAGGAAGGGGCCTCAGAGCCTTCACCTGGAGGCATCAAGTGGGGACACCTCTTTGGCTCC[C>T]GAAAAGCCCAGCGGGAGGCCCGGCCCACAAATAGGTGAGAGCCTGCCCATGGTAGGGATG-3'